The following is an entry in ClinVar:

NM_002381.5(MATN3):c.1081C>A (p.His361Asn)

Genes: MATN3 (matrilin 3; minus strand), WDR35-DT (WDR35 divergent transcript; plus strand). Cytogenetic location: 2p24.1.
Variant type: single nucleotide variant.
Coding change: c.1081C>A on transcript NM_002381.5 (MANE Select); coding-DNA position 1081, C replaced by A.
Protein change: p.His361Asn; replaces histidine 361 with asparagine.
Molecular consequence: missense variant.
Genome position (GRCh38, 1-based): chr2:20,000,528, G>T on the plus strand (C>A on the coding strand, the complement: MATN3 is on the minus strand). VCF-style: chr2-20000528-G-T. GRCh37 (hg19) VCF-style: chr2-20200289-G-T.
Other names: short protein forms H361N.
Identifiers: ClinVar variation 2779054 (VCV002779054.3), dbSNP rs2527692756, ClinGen allele CA345949653.

ClinVar aggregate classification (germline): Uncertain significance (1 of 4 stars; one submission).

Submission:

Labcorp Genetics (formerly Invitae), Labcorp
Classification: Uncertain significance. Last evaluated: 2023-11-17. Review status: criteria provided, single submitter. Criteria: Invitae Variant Classification Sherloc (09022015). Collection method: clinical testing. Allele origin: germline.
Comment: This sequence change replaces histidine, which is basic and polar, with asparagine, which is neutral and polar, at codon 361 of the MATN3 protein (p.His361Asn). This variant is not present in population databases (gnomAD no frequency). This variant has not been reported in the literature in individuals affected with MATN3-related conditions. Advanced modeling of protein sequence and biophysical properties (such as structural, functional, and spatial information, amino acid conservation, physicochemical variation, residue mobility, and thermodynamic stability) performed at Invitae indicates that this missense variant is not expected to disrupt MATN3 protein function with a negative predictive value of 80%. In summary, the available evidence is currently insufficient to determine the role of this variant in disease. Therefore, it has been classified as a Variant of Uncertain Significance.